The following is an entry in ClinVar:

ClinVar aggregate classification (germline): Conflicting classifications of pathogenicity. Review status: criteria provided, conflicting classifications (1 of 4 stars). 6 submissions from 6 submitters: Pathogenic (1); Likely pathogenic (4); Uncertain significance (1). Last evaluated 2026-10-01.

Conditions:
Baller-Gerold syndrome (BGS). Also called: CRANIOSYNOSTOSIS WITH RADIAL DEFECTS. Identifiers: Orphanet 1225, MedGen C0265308, MONDO:0009039, OMIM 218600.
Rapadilino syndrome. Identifiers: Orphanet 3021, MedGen C1849453, MONDO:0009955, OMIM 266280.
Rothmund-Thomson syndrome type 2 (RTS2). Identifiers: Orphanet 221016, MedGen C5203410, MONDO:0016369, OMIM 268400.

Submissions (6):

St. Jude Molecular Pathology, St. Jude Children's Research Hospital
Classification: Uncertain significance for Rothmund-Thomson syndrome type 2. Last evaluated: 2026-10-01. Review status: criteria provided, single submitter. Criteria: St. Jude Assertion Criteria 2020. Collection method: clinical testing. Allele origin: germline.
Comment: The RECQL4 c.2412_2420del p.(Ala805_Arg807del) change deletes 9 nucleotides resulting in an in-frame deletion of 3 amino acids at codons 805-807. This variant has a maximum subpopulation frequency of 0.06% in gnomAD v2.1.1. To ou r knowledge, this variant has not been reported in individuals with RECQL4-associated conditions. In summary, the evidence currently available is insufficient to determine the clinical significance of this variant. It has therefore been classified as of uncertain significance.

Labcorp Genetics (formerly Invitae), Labcorp
Classification: Pathogenic for Baller-Gerold syndrome. Last evaluated: 2025-12-03. Review status: criteria provided, single submitter. Criteria: Invitae Variant Classification Sherloc (09022015). Collection method: clinical testing. Allele origin: germline.
Comment: This variant, c.2412_2420del, results in the deletion of 3 amino acid(s) of the RECQL4 protein (p.Ala805_Arg807del), but otherwise preserves the integrity of the reading frame. This variant is present in population databases (rs766312203, gnomAD 0.06%). This variant has been observed in individual(s) with Rothmund-Thomson syndrome (PMID: 29642415, 31604778; internal data). In at least one individual the data is consistent with being in trans (on the opposite chromosome) from a pathogenic variant. It has also been observed to segregate with disease in related individuals. ClinVar contains an entry for this variant (Variation ID: 239724). Experimental studies and prediction algorithms are not available or were not evaluated, and the functional significance of this variant is currently unknown. For these reasons, this variant has been classified as Pathogenic.

Variantyx, Inc.
Classification: Likely pathogenic for Rothmund-Thomson syndrome type 2. Last evaluated: 2025-04-01. Review status: criteria provided, single submitter. Criteria: Variantyx Assertion Criteria 2022. Collection method: clinical testing. Allele origin: germline. Inheritance: Autosomal recessive inheritance.
Comment: This is an inframe deletion variant in the RECQL4 gene (OMIM: 603780). Pathogenic variants in this gene have been associated with autosomal recessive Rothmund Thomson syndrome, type 2. This variant causes an in-frame deletion of 3 amino acids at position p.Ala805_Arg807 of the RECQL4 protein (PM4). It has been identified in the homozygous or compound heterozygous state in at least 2 individuals reported in the published literature (PMID: 31604778, 39315607) (PM3_Strong) and has a 0.0942% maximum allele frequency in non-founder control populations (PM2). Based on the current evidence, this variant is classified as likely pathogenic for autosomal recessive Rothmund Thomson syndrome, type 2.

Fulgent Genetics
Classification: Likely pathogenic for Baller-Gerold syndrome; Rapadilino syndrome; Rothmund-Thomson syndrome type 2. Last evaluated: 2022-04-26. Review status: criteria provided, single submitter. Criteria: ACMG Guidelines, 2015. Collection method: clinical testing. Allele origin: unknown.

Laboratorio de Genetica e Diagnostico Molecular, Hospital Israelita Albert Einstein
Classification: Likely pathogenic for Rothmund-Thomson syndrome type 2. Last evaluated: 2021-10-26. Review status: criteria provided, single submitter. Criteria: ACMG Guidelines, 2015. Collection method: clinical testing. Allele origin: germline. Affected: yes.
Comment: ACMG classification criteria: PS4 supporting, PM2 moderate, PM3 moderate, PM4 moderate

GeneDx
Classification: Likely pathogenic. Last evaluated: 2021-09-22. Review status: criteria provided, single submitter. Criteria: GeneDx Variant Classification Process June 2021. Collection method: clinical testing. Allele origin: germline. Affected: yes.
Comment: Identified in unrelated patients with RECQL4-related phenotype referred for genetic testing at GeneDx and in published literature (Colombo et al., 2018); In-frame deletion of 3 amino acids in a non-repeat region; In silico analysis supports a deleterious effect on protein structure/function; This variant is associated with the following publications: (PMID: 29642415, 31604778)

Literature cited by the submitters: PubMed 29642415 (cited by Labcorp Genetics (formerly Invitae), Labcorp); PubMed 31604778 (cited by Labcorp Genetics (formerly Invitae), Labcorp and Variantyx, Inc.); PubMed 39315607 (cited by Variantyx, Inc.).

NM_004260.4(RECQL4):c.2412_2420del (p.Ala805_Arg807del)

Gene: RECQL4 (RecQ like helicase 4; minus strand). Cytogenetic location: 8q24.3.
Variant type: Deletion.
Coding change: c.2412_2420del on transcript NM_004260.4 (MANE Select); coding-DNA positions 2412 to 2420, 9 bases deleted (GGCCGGGCG; older notation c.2412_2420delGGCCGGGCG).
Protein change: p.Ala805_Arg807del.
Molecular consequence: inframe deletion.
Genome position (GRCh38, 1-based): chr8:144,513,261-144,513,269, CGCCCGGCC deleted on the plus strand (GGCCGGGCG on the coding strand, the reverse complement: RECQL4 is on the minus strand); deleting any 9 consecutive bases within chr8:144,513,261-144,513,271 gives the same sequence; the c. name uses the placement nearest the transcript's 3' end. VCF-style (leftmost placement, unchanged base first): chr8-144513260-ACGCCCGGCC-A. GRCh37 (hg19) VCF-style: chr8-145738643-ACGCCCGGCC-A.
Other names: c.2412_2420delGGCCGGGCG (NM_004260.3).
Identifiers: ClinVar variation 239724 (VCV000239724.14), dbSNP rs766312203, ClinGen allele CA4948299.